The following is an entry in ClinVar:

NM_001286.5(CLCN6):c.2458G>A (p.Val820Ile)

Genes: CLCN6 (chloride voltage-gated channel 6; plus strand), LOC129929417 (ATAC-STARR-seq lymphoblastoid active region 178; plus strand). Cytogenetic location: 1p36.22.
Variant type: single nucleotide variant.
Coding change: c.2458G>A on transcript NM_001286.5 (MANE Select); coding-DNA position 2458, G replaced by A.
Protein change: p.Val820Ile; replaces valine 820 with isoleucine.
Molecular consequence: missense variant. On other transcripts: non-coding transcript variant (1).
Genome position (GRCh38, 1-based): chr1:11,838,589, G>A. VCF-style: chr1-11838589-G-A. GRCh37 (hg19) VCF-style: chr1-11898646-G-A.
Other names: c.2392G>A, p.Val798Ile (NM_001256959.2); short protein forms V820I, V798I.
Identifiers: ClinVar variation 1444589 (VCV001444589.6), dbSNP rs764870626, ClinGen allele CA596866.

ClinVar aggregate classification (germline): Uncertain significance (1 of 4 stars; one submission).

Allele frequency attached by ClinVar (database versions not stated): gnomAD 0.00001; ExAC 0.00002; gnomAD exomes 0.00002; TOPMed 0.00002.
gnomAD v4.1: 36 of 1,613,370 alleles (0.0022%); highest among the groups gnomAD compares: East Asian, 0.027%; no homozygotes.

Submission:

Labcorp Genetics (formerly Invitae), Labcorp
Classification: Uncertain significance. Last evaluated: 2024-06-04. Review status: criteria provided, single submitter. Criteria: Invitae Variant Classification Sherloc (09022015). Collection method: clinical testing. Allele origin: germline.
Comment: This sequence change replaces valine, which is neutral and non-polar, with isoleucine, which is neutral and non-polar, at codon 820 of the CLCN6 protein (p.Val820Ile). This variant is present in population databases (rs764870626, gnomAD 0.006%). This variant has not been reported in the literature in individuals affected with CLCN6-related conditions. ClinVar contains an entry for this variant (Variation ID: 1444589). An algorithm developed to predict the effect of missense changes on protein structure and function (PolyPhen-2) suggests that this variant is likely to be tolerated. In summary, the available evidence is currently insufficient to determine the role of this variant in disease. Therefore, it has been classified as a Variant of Uncertain Significance.